The following is an entry in ClinVar:

ClinVar aggregate classification (germline): Uncertain significance (1 of 4 stars; one submission).

Allele frequency attached by ClinVar (database versions not stated): gnomAD exomes below 0.00001; TOPMed below 0.00001.
gnomAD v4.1: 2 of 1,613,658 alleles (0.00012%); highest among the groups gnomAD compares: Non-Finnish European, 0.00017%; no homozygotes.

Submission:

Labcorp Genetics (formerly Invitae), Labcorp
Classification: Uncertain significance. Last evaluated: 2022-05-06. Review status: criteria provided, single submitter. Criteria: Invitae Variant Classification Sherloc (09022015). Collection method: clinical testing. Allele origin: germline.
Comment: Algorithms developed to predict the effect of sequence changes on RNA splicing suggest that this variant is not likely to affect RNA splicing. This variant has not been reported in the literature in individuals affected with GGCX-related conditions. This variant is present in population databases (no rsID available, gnomAD 0.0009%). This sequence change affects codon 242 of the GGCX mRNA. It is a 'silent' change, meaning that it does not change the encoded amino acid sequence of the GGCX protein. It affects a nucleotide within the consensus splice site. In summary, the available evidence is currently insufficient to determine the role of this variant in disease. Therefore, it has been classified as a Variant of Uncertain Significance.

NM_000821.7(GGCX):c.726A>G (p.Lys242=)

Gene: GGCX (gamma-glutamyl carboxylase; minus strand). Cytogenetic location: 2p11.2.
Variant type: single nucleotide variant.
Coding change: c.726A>G on transcript NM_000821.7 (MANE Select); coding-DNA position 726, A replaced by G.
Protein change: p.Lys242=; no amino-acid change (lysine 242 retained).
Molecular consequence: synonymous variant.
Genome position (GRCh38, 1-based): chr2:85,554,306, T>C on the plus strand (A>G on the coding strand, the complement: GGCX is on the minus strand). VCF-style: chr2-85554306-T-C. GRCh37 (hg19) VCF-style: chr2-85781429-T-C.
Other names: c.555A>G, p.Lys185= (NM_001142269.4).
Identifiers: ClinVar variation 1909343 (VCV001909343.5), dbSNP rs1473974680, ClinGen allele CA427087515.
Genomic context (GRCh38, chr2:85,554,306, plus strand): 5'-AAGCAGCAGCCCACCCCAGTGCACGACCAGCAGGCTAGTCAGCTCCTCAGACAACAGCAG[T>C]CTGCAAACACATGGAGAAAGTTCAAGCACCAGCCCACTGGAGAACACATCAAAGCACATT-3'
Protein context (NP_000812.2, residues 232-252): LSRHWLFSPF[Lys242=]LLLSEELTSL